The following is an entry in ClinVar:

NM_004260.4(RECQL4):c.2492A>G (p.His831Arg)

Gene: RECQL4 (RecQ like helicase 4; minus strand). Cytogenetic location: 8q24.3.
Variant type: single nucleotide variant.
Coding change: c.2492A>G on transcript NM_004260.4 (MANE Select); coding-DNA position 2492, A replaced by G.
Protein change: p.His831Arg; replaces histidine 831 with arginine.
Molecular consequence: missense variant.
Genome position (GRCh38, 1-based): chr8:144,513,110, T>C on the plus strand (A>G on the coding strand, the complement: RECQL4 is on the minus strand). VCF-style: chr8-144513110-T-C. GRCh37 (hg19) VCF-style: chr8-145738493-T-C.
Other names: short protein forms H831R.
Identifiers: ClinVar variation 239734 (VCV000239734.12), dbSNP rs754324912, ClinGen allele CA4948216.

ClinVar aggregate classification (germline): Uncertain significance. Review status: criteria provided, multiple submitters, no conflicts (2 of 4 stars). 5 submissions from 5 submitters: Uncertain significance (5). Last evaluated 2026-01-19.

Conditions:
Baller-Gerold syndrome (BGS). Also called: CRANIOSYNOSTOSIS WITH RADIAL DEFECTS. Identifiers: Orphanet 1225, MedGen C0265308, MONDO:0009039, OMIM 218600.
Rothmund-Thomson syndrome type 2 (RTS2). Identifiers: Orphanet 221016, MedGen C5203410, MONDO:0016369, OMIM 268400.

Allele frequency attached by ClinVar (database versions not stated): ExAC 0.00005; gnomAD exomes 0.00007 and 0.00008; gnomAD 0.00008 and 0.00009; TOPMed 0.00009.
gnomAD v4.1: 118 of 1,562,896 alleles (0.0076%); highest among the groups gnomAD compares: Admixed American, 0.021%; 1 homozygote.

Submissions (5):

Labcorp Genetics (formerly Invitae), Labcorp
Classification: Uncertain significance for Baller-Gerold syndrome. Last evaluated: 2026-01-19. Review status: criteria provided, single submitter. Criteria: Invitae Variant Classification Sherloc (09022015). Collection method: clinical testing. Allele origin: germline.
Comment: This sequence change replaces histidine, which is basic and polar, with arginine, which is basic and polar, at codon 831 of the RECQL4 protein (p.His831Arg). This variant is present in population databases (rs754324912, gnomAD 0.01%). This variant has not been reported in the literature in individuals affected with RECQL4-related conditions. ClinVar contains an entry for this variant (Variation ID: 239734). Invitae Evidence Modeling of protein sequence and biophysical properties (such as structural, functional, and spatial information, amino acid conservation, physicochemical variation, residue mobility, and thermodynamic stability) indicates that this missense variant is expected to disrupt RECQL4 protein function with a positive predictive value of 80%. In summary, the available evidence is currently insufficient to determine the role of this variant in disease. Therefore, it has been classified as a Variant of Uncertain Significance.

Blueprint Genetics
Classification: Uncertain significance. Last evaluated: 2024-10-25. Review status: criteria provided, single submitter. Criteria: ACMG Guidelines, 2015. Collection method: clinical testing. Allele origin: germline.

St. Jude Molecular Pathology, St. Jude Children's Research Hospital
Classification: Uncertain significance for Rothmund-Thomson syndrome type 2. Last evaluated: 2024-09-05. Review status: criteria provided, single submitter. Criteria: St. Jude Assertion Criteria 2020. Collection method: clinical testing. Allele origin: germline.
Comment: The RECQL4 c.2492A>G (p.His831Arg) missense change has a maximum subpopulation frequency of 0.01% in gnomAD v2.1.1. In silico tools predict a deleterious effect on protein function, but this prediction has not been confirmed by functional studies. This variant has not been reported in individuals with RECQL4-associated conditions. In summary, the evidence currently available is insufficient to determine the clinical significance of this variant. It has therefore been classified as of uncertain significance.

Institute for Clinical Genetics, University Hospital TU Dresden, University Hospital TU Dresden
Classification: Uncertain significance. Last evaluated: 2021-11-03. Review status: criteria provided, single submitter. Criteria: ACMG Guidelines, 2015. Collection method: clinical testing. Allele origin: germline.

Baylor Genetics
Classification: Uncertain significance for Rothmund-Thomson syndrome type 2. Last evaluated: 2019-01-13. Review status: criteria provided, single submitter. Criteria: ACMG Guidelines, 2015. Collection method: clinical testing. Allele origin: unknown. Affected: yes. Study: CSER-TexasKidsCanSeq.
Comment: This variant was determined to be of uncertain significance according to ACMG Guidelines, 2015 [PMID:25741868].